The following is an entry in ClinVar:

ClinVar aggregate classification (germline): Uncertain significance. Review status: criteria provided, multiple submitters, no conflicts (2 of 4 stars). 3 submissions from 3 submitters: Uncertain significance (2). 1 of the submissions does not count toward it. Last evaluated 2021-09-01.

Conditions:
Hereditary cancer-predisposing syndrome. Also called: Hereditary Cancer Syndrome; Tumor predisposition; Hereditary neoplastic syndrome; Neoplastic Syndromes, Hereditary. Identifiers: Orphanet 140162, MedGen C0027672, MeSH D009386, MONDO:0015356.
Bloom syndrome (BLM). Also called: Bloom-Torre-Machacek syndrome. Identifiers: Orphanet 125, MedGen C0005859, MONDO:0008876, OMIM 210900.

Submissions (3):

Labcorp Genetics (formerly Invitae), Labcorp
Classification: Uncertain significance for Bloom syndrome. Last evaluated: 2021-09-01. Review status: criteria provided, single submitter. Criteria: Invitae Variant Classification Sherloc (09022015). Collection method: clinical testing. Allele origin: germline.
Comment: This sequence change replaces aspartic acid with glycine at codon 569 of the BLM protein (p.Asp569Gly). The aspartic acid residue is weakly conserved and there is a moderate physicochemical difference between aspartic acid and glycine. This variant is not present in population databases (ExAC no frequency). This variant has not been reported in the literature in individuals affected with BLM-related conditions. Algorithms developed to predict the effect of missense changes on protein structure and function (SIFT, PolyPhen-2, Align-GVGD) all suggest that this variant is likely to be tolerated. In summary, the available evidence is currently insufficient to determine the role of this variant in disease. Therefore, it has been classified as a Variant of Uncertain Significance.

Ambry Genetics
Classification: Uncertain significance for Hereditary cancer-predisposing syndrome. Last evaluated: 2021-06-23. Review status: criteria provided, single submitter. Criteria: Ambry Variant Classification Scheme 2023. Collection method: clinical testing. Allele origin: germline.
Comment: The p.D569G variant (also known as c.1706A>G), located in coding exon 6 of the BLM gene, results from an A to G substitution at nucleotide position 1706. The aspartic acid at codon 569 is replaced by glycine, an amino acid with similar properties. This amino acid position is conserved. In addition, this alteration is predicted to be tolerated by in silico analysis. Since supporting evidence is limited at this time, the clinical significance of this alteration remains unclear.

Natera, Inc.
Classification: Uncertain significance for Bloom syndrome. Last evaluated: 2020-08-05. Review status: no assertion criteria provided. Collection method: clinical testing. Allele origin: germline. Not counted in ClinVar's aggregate classification.

NM_000057.4(BLM):c.1706A>G (p.Asp569Gly)

Gene: BLM (BLM RecQ like helicase; plus strand). Cytogenetic location: 15q26.1.
Variant type: single nucleotide variant.
Coding change: c.1706A>G on transcript NM_000057.4 (MANE Select); coding-DNA position 1706, A replaced by G.
Protein change: p.Asp569Gly; replaces aspartic acid 569 with glycine.
Molecular consequence: missense variant.
Genome position (GRCh38, 1-based): chr15:90,761,079, A>G. VCF-style: chr15-90761079-A-G. GRCh37 (hg19) VCF-style: chr15-91304309-A-G.
Other names: c.1706A>G (NM_000057.2); c.1706A>G, p.Asp569Gly (NM_001287246.2, NM_001287247.2); c.581A>G, p.Asp194Gly (NM_001287248.2); short protein forms D569G, D194G.
Identifiers: ClinVar variation 1043606 (VCV001043606.12), dbSNP rs1895971955, ClinGen allele CA393843670.